The following is an entry in ClinVar:

NM_006493.4(CLN5):c.958C>T (p.Gln320Ter)

Gene: CLN5 (CLN5 lysosomal BMP synthase; plus strand). Cytogenetic location: 13q22.3.
Variant type: single nucleotide variant.
Coding change: c.958C>T on transcript NM_006493.4 (MANE Select); coding-DNA position 958, C replaced by T.
Protein change: p.Gln320Ter; replaces glutamine 320 with a stop codon.
Molecular consequence: nonsense. On other transcripts: 3 prime UTR variant (1).
Genome position (GRCh38, 1-based): chr13:77,000,850, C>T. VCF-style: chr13-77000850-C-T. GRCh37 (hg19) VCF-style: chr13-77574985-C-T.
Other names: c.*407C>T (NM_001366624.2); c.1105C>T (LRG_692t1); short protein forms Q320*.
Identifiers: ClinVar variation 370765 (VCV000370765.9), dbSNP rs750935331, ClinGen allele CA16041689.

ClinVar aggregate classification (germline): Pathogenic. Review status: criteria provided, multiple submitters, no conflicts (2 of 4 stars). 3 submissions from 3 submitters: Pathogenic (2). 1 of the submissions does not count toward it. Last evaluated 2023-12-02.

Conditions:
Neuronal ceroid lipofuscinosis. Also called: Neuronal Ceroid Lipofuscinoses. Identifiers: Orphanet 216, Orphanet 79263, MedGen C0027877, MONDO:0016295. Disease mechanism: loss of function.
Neuronal ceroid lipofuscinosis 5 (CLN5). Also called: Neuronal ceroid lipofuscinosis Finnish variant; NEURONAL CEROID LIPOFUSCINOSIS, LATE INFANTILE, FINNISH VARIANT; CLN5-Related Neuronal Ceroid-Lipofuscinosis; CEROID LIPOFUSCINOSIS, NEURONAL, 5, VARIABLE AGE AT ONSET. Identifiers: Orphanet 168491, Orphanet 228360, MedGen C1850442, MONDO:0009745, OMIM 256731.

Submissions (3):

Labcorp Genetics (formerly Invitae), Labcorp
Classification: Pathogenic for Neuronal ceroid lipofuscinosis. Last evaluated: 2023-12-02. Review status: criteria provided, single submitter. Criteria: Invitae Variant Classification Sherloc (09022015). Collection method: clinical testing. Allele origin: germline.
Comment: This sequence change creates a premature translational stop signal (p.Gln369*) in the CLN5 gene. It is expected to result in an absent or disrupted protein product. Loss-of-function variants in CLN5 are known to be pathogenic (PMID: 20157158). This variant is not present in population databases (gnomAD no frequency). This premature translational stop signal has been observed in individual(s) with neuronal ceroid lipofuscinosis (PMID: 31493945). ClinVar contains an entry for this variant (Variation ID: 370765). For these reasons, this variant has been classified as Pathogenic.

Revvity Omics, Revvity
Classification: Pathogenic for Neuronal ceroid lipofuscinosis 5. Last evaluated: 2022-08-01. Review status: criteria provided, single submitter. Criteria: ACMG Guidelines, 2015. Collection method: clinical testing. Allele origin: germline.

Counsyl
Classification: Likely pathogenic for Neuronal ceroid lipofuscinosis 5. Last evaluated: 2016-04-07. Review status: no assertion criteria provided. Collection method: clinical testing. Allele origin: unknown. Not counted in ClinVar's aggregate classification.

Literature cited by the submitters: PubMed 20157158 (cited by Labcorp Genetics (formerly Invitae), Labcorp); PubMed 31493945 (cited by Labcorp Genetics (formerly Invitae), Labcorp).